The following is an entry in ClinVar:

NM_002432.3(MNDA):c.709C>T (p.His237Tyr)

Gene: MNDA (myeloid cell nuclear differentiation antigen; plus strand). Cytogenetic location: 1q23.1.
Variant type: single nucleotide variant.
Coding change: c.709C>T on transcript NM_002432.3 (MANE Select); coding-DNA position 709, C replaced by T.
Protein change: p.His237Tyr; replaces histidine 237 with tyrosine.
Molecular consequence: missense variant.
Genome position (GRCh38, 1-based): chr1:158,845,725, C>T. VCF-style: chr1-158845725-C-T. GRCh37 (hg19) VCF-style: chr1-158815515-C-T.
Other names: short protein forms H237Y.
Identifiers: ClinVar variation 2448160 (VCV002448160.2), dbSNP rs777126269, ClinGen allele CA343041170.

ClinVar aggregate classification (germline): Uncertain significance (1 of 4 stars; one submission).

Submission:

Ambry Genetics
Classification: Uncertain significance. Last evaluated: 2022-11-12. Review status: criteria provided, single submitter. Criteria: Ambry Variant Classification Scheme 2023. Collection method: clinical testing. Allele origin: germline.
Comment: The p.H237Y variant (also known as c.709C>T), located in coding exon 4 of the MNDA gene, results from a C to T substitution at nucleotide position 709. The histidine at codon 237 is replaced by tyrosine, an amino acid with similar properties. This amino acid position is conserved. In addition, this alteration is predicted to be tolerated by in silico analysis. Since supporting evidence is limited at this time, the clinical significance of this alteration remains unclear.